The following is an entry in ClinVar:

ClinVar aggregate classification (germline): Uncertain significance (1 of 4 stars; one submission).

Conditions:
Inborn genetic diseases. Identifiers: MedGen C0950123, MeSH D030342.

Submission:

Ambry Genetics
Classification: Uncertain significance for Inborn genetic diseases. Last evaluated: 2023-10-08. Review status: criteria provided, single submitter. Criteria: Ambry Variant Classification Scheme 2023. Collection method: clinical testing. Allele origin: germline.
Comment: The p.I2202L variant (also known as c.6604A>C), located in coding exon 39 of the ATR gene, results from an A to C substitution at nucleotide position 6604. The isoleucine at codon 2202 is replaced by leucine, an amino acid with highly similar properties. This amino acid position is conserved. In addition, this alteration is predicted to be tolerated by in silico analysis. Since supporting evidence is limited at this time, the clinical significance of this alteration remains unclear.

NM_001184.4(ATR):c.6604A>C (p.Ile2202Leu)

Gene: ATR (ATR checkpoint kinase; minus strand). Cytogenetic location: 3q23.
Variant type: single nucleotide variant.
Coding change: c.6604A>C on transcript NM_001184.4 (MANE Select); coding-DNA position 6604, A replaced by C.
Protein change: p.Ile2202Leu; replaces isoleucine 2202 with leucine.
Molecular consequence: missense variant.
Genome position (GRCh38, 1-based): chr3:142,468,017, T>G on the plus strand (A>C on the coding strand, the complement: ATR is on the minus strand). VCF-style: chr3-142468017-T-G. GRCh37 (hg19) VCF-style: chr3-142186859-T-G.
Other names: c.6412A>C, p.Ile2138Leu (NM_001354579.2); short protein forms I2138L, I2202L.
Identifiers: ClinVar variation 1754427 (VCV001754427.2), dbSNP rs769959479, ClinGen allele CA354803611.
Genomic context (GRCh38, chr3:142,468,017, plus strand): 5'-GCTTATCTGTTAGGCGAGTTGCATCTCCAACAAACTTCTCTAAGGATTTTTTCATATGAA[T>G]AGCTTTATTGAGGATTTCCTTGCATCTGTTCACACGCATGGGATAAGATGACTGTCATAA-3'
Protein context (NP_001175.2, residues 2192-2212): NRCKEILNKA[Ile2202Leu]HMKKSLEKFV